The following is an entry in ClinVar:

NM_000038.6(APC):c.4590A>T (p.Glu1530Asp)

Gene: APC (APC regulator of Wnt signaling pathway; plus strand). Cytogenetic location: 5q22.2.
Variant type: single nucleotide variant.
Coding change: c.4590A>T on transcript NM_000038.6 (MANE Select); coding-DNA position 4590, A replaced by T.
Protein change: p.Glu1530Asp; replaces glutamic acid 1530 with aspartic acid.
Molecular consequence: missense variant.
Genome position (GRCh38, 1-based): chr5:112,840,184, A>T. VCF-style: chr5-112840184-A-T. GRCh37 (hg19) VCF-style: chr5-112175881-A-T.
Other names: c.4590A>T, p.Glu1530Asp (NM_001127510.3, NM_001354895.2); c.4536A>T, p.Glu1512Asp (NM_001127511.3); c.4644A>T, p.Glu1548Asp (NM_001354896.2); c.4620A>T, p.Glu1540Asp (NM_001354897.2); c.4515A>T, p.Glu1505Asp (NM_001354898.2); c.4506A>T, p.Glu1502Asp (NM_001354899.2); c.4467A>T, p.Glu1489Asp (NM_001354900.2); c.4413A>T, p.Glu1471Asp (NM_001354901.2); and 5 more; short protein forms E1247D, E1370D, E1404D, E1429D, E1439D, E1471D, E1489D, E1502D.
Identifiers: ClinVar variation 1320749 (VCV001320749.4), dbSNP rs1233687155, ClinGen allele CA16031384.

ClinVar aggregate classification (germline): Uncertain significance. Review status: criteria provided, multiple submitters, no conflicts (2 of 4 stars). 2 submissions from 2 submitters: Uncertain significance (2). Last evaluated 2025-07-07.

Conditions:
Familial adenomatous polyposis 1 (FAP1). Also called: POLYPOSIS, ADENOMATOUS INTESTINAL; FAMILIAL ADENOMATOUS POLYPOSIS 1, ATTENUATED. Identifiers: MedGen C2713442, MONDO:0021056, OMIM 175100. Disease mechanism: loss of function.

Submissions (2):

Labcorp Genetics (formerly Invitae), Labcorp
Classification: Uncertain significance for Familial adenomatous polyposis 1. Last evaluated: 2025-07-07. Review status: criteria provided, single submitter. Criteria: Invitae Variant Classification Sherloc (09022015). Collection method: clinical testing. Allele origin: germline.
Comment: This sequence change replaces glutamic acid, which is acidic and polar, with aspartic acid, which is acidic and polar, at codon 1530 of the APC protein (p.Glu1530Asp). This variant is not present in population databases (gnomAD no frequency). This variant has not been reported in the literature in individuals affected with APC-related conditions. ClinVar contains an entry for this variant (Variation ID: 1320749). Invitae Evidence Modeling of protein sequence and biophysical properties (such as structural, functional, and spatial information, amino acid conservation, physicochemical variation, residue mobility, and thermodynamic stability) indicates that this missense variant is not expected to disrupt APC protein function with a negative predictive value of 95%. In summary, the available evidence is currently insufficient to determine the role of this variant in disease. Therefore, it has been classified as a Variant of Uncertain Significance.

GeneDx
Classification: Uncertain significance. Last evaluated: 2020-03-18. Review status: criteria provided, single submitter. Criteria: GeneDx Variant Classification Process June 2021. Collection method: clinical testing. Allele origin: germline. Affected: yes.
Comment: Not observed in large population cohorts (Lek 2016); In silico analysis supports that this missense variant does not alter protein structure/function; Has not been previously published as pathogenic or benign to our knowledge